The following is an entry in ClinVar:

NM_130837.3(OPA1):c.2297G>A (p.Arg766Gln)

Gene: OPA1 (OPA1 mitochondrial dynamin like GTPase; plus strand). Cytogenetic location: 3q29.
Variant type: single nucleotide variant.
Coding change: c.2297G>A on transcript NM_130837.3 (MANE Select); coding-DNA position 2297, G replaced by A.
Protein change: p.Arg766Gln; replaces arginine 766 with glutamine.
Molecular consequence: missense variant.
Genome position (GRCh38, 1-based): chr3:193,657,198, G>A. VCF-style: chr3-193657198-G-A. GRCh37 (hg19) VCF-style: chr3-193374987-G-A.
Other names: c.1763G>A, p.Arg588Gln (NM_001354663.2); c.1760G>A, p.Arg587Gln (NM_001354664.2); c.2132G>A, p.Arg711Gln (NM_015560.3); c.2024G>A, p.Arg675Gln (NM_130831.3); c.2078G>A, p.Arg693Gln (NM_130832.3); c.2135G>A, p.Arg712Gln (NM_130833.3); c.2186G>A, p.Arg729Gln (NM_130834.3); c.2189G>A, p.Arg730Gln (NM_130835.3); and 1 more; short protein forms R588Q, R675Q, R748Q, R587Q, R693Q, R712Q, R729Q, R711Q.
Identifiers: ClinVar variation 2839576 (VCV002839576.3), dbSNP rs1714063108, ClinGen allele CA355791626.

ClinVar aggregate classification (germline): Uncertain significance (1 of 4 stars; one submission).

gnomAD v4.1: 2 of 1,613,916 alleles (0.00012%); highest among the groups gnomAD compares: Non-Finnish European, 0.00017%; no homozygotes.

Submission:

Labcorp Genetics (formerly Invitae), Labcorp
Classification: Uncertain significance. Last evaluated: 2024-05-20. Review status: criteria provided, single submitter. Criteria: Invitae Variant Classification Sherloc (09022015). Collection method: clinical testing. Allele origin: germline.
Comment: This sequence change replaces arginine, which is basic and polar, with glutamine, which is neutral and polar, at codon 711 of the OPA1 protein (p.Arg711Gln). This variant is not present in population databases (gnomAD no frequency). This variant has not been reported in the literature in individuals affected with OPA1-related conditions. Advanced modeling of protein sequence and biophysical properties (such as structural, functional, and spatial information, amino acid conservation, physicochemical variation, residue mobility, and thermodynamic stability) performed at Invitae indicates that this missense variant is not expected to disrupt OPA1 protein function with a negative predictive value of 80%. In summary, the available evidence is currently insufficient to determine the role of this variant in disease. Therefore, it has been classified as a Variant of Uncertain Significance.